The following is an entry in ClinVar:

ClinVar aggregate classification (germline): Uncertain significance (1 of 4 stars; one submission).

Allele frequency attached by ClinVar (database versions not stated): gnomAD exomes below 0.00001; ExAC 0.00002.
gnomAD v4.1: 2 of 1,613,346 alleles (0.00012%); highest among the groups gnomAD compares: South Asian, 0.0022%; 1 homozygote.

Submission:

Ambry Genetics
Classification: Uncertain significance. Last evaluated: 2021-11-10. Review status: criteria provided, single submitter. Criteria: Ambry Variant Classification Scheme 2023. Collection method: clinical testing. Allele origin: germline.
Comment: The p.T1129I variant (also known as c.3386C>T), located in coding exon 16 of the POLQ gene, results from a C to T substitution at nucleotide position 3386. The threonine at codon 1129 is replaced by isoleucine, an amino acid with similar properties. This amino acid position is conserved. In addition, this alteration is predicted to be tolerated by in silico analysis. Since supporting evidence is limited at this time, the clinical significance of this alteration remains unclear.

NM_199420.4(POLQ):c.3386C>T (p.Thr1129Ile)

Gene: POLQ (DNA polymerase theta; minus strand). Cytogenetic location: 3q13.33.
Variant type: single nucleotide variant.
Coding change: c.3386C>T on transcript NM_199420.4 (MANE Select); coding-DNA position 3386, C replaced by T.
Protein change: p.Thr1129Ile; replaces threonine 1129 with isoleucine.
Molecular consequence: missense variant.
Genome position (GRCh38, 1-based): chr3:121,489,545, G>A on the plus strand (C>T on the coding strand, the complement: POLQ is on the minus strand). VCF-style: chr3-121489545-G-A. GRCh37 (hg19) VCF-style: chr3-121208392-G-A.
Other names: short protein forms T1129I.
Identifiers: ClinVar variation 1730853 (VCV001730853.2), dbSNP rs754916850, ClinGen allele CA2563063.